The following is an entry in ClinVar:

ClinVar aggregate classification (germline): Uncertain significance (1 of 4 stars; one submission).

Submission:

GeneDx
Classification: Uncertain significance. Last evaluated: 2019-06-20. Review status: criteria provided, single submitter. Criteria: GeneDx Variant Classification Process June 2021. Collection method: clinical testing. Allele origin: germline. Affected: yes.
Comment: Not observed in large population cohorts (Lek et al., 2016); In silico analysis, which includes protein predictors and evolutionary conservation, supports that this variant does not alter protein structure/function; Has not been previously published as pathogenic or benign to our knowledge

NM_000091.5(COL4A3):c.884T>G (p.Leu295Arg)

Genes: COL4A3 (collagen type IV alpha 3 chain; plus strand), MFF-DT (MFF divergent transcript; minus strand). Cytogenetic location: 2q36.3.
Variant type: single nucleotide variant.
Coding change: c.884T>G on transcript NM_000091.5 (MANE Select); coding-DNA position 884, T replaced by G.
Protein change: p.Leu295Arg; replaces leucine 295 with arginine.
Molecular consequence: missense variant.
Genome position (GRCh38, 1-based): chr2:227,254,711, T>G. VCF-style: chr2-227254711-T-G. GRCh37 (hg19) VCF-style: chr2-228119427-T-G.
Other names: short protein forms L295R.
Identifiers: ClinVar variation 1304153 (VCV001304153.2), dbSNP rs2125936511, ClinGen allele CA350866543.